The following is an entry in ClinVar:

NM_001277115.2(DNAH11):c.11469A>C (p.Leu3823=)

Gene: DNAH11 (dynein axonemal heavy chain 11; plus strand). Cytogenetic location: 7p15.3.
Variant type: single nucleotide variant.
Coding change: c.11469A>C on transcript NM_001277115.2 (MANE Select); coding-DNA position 11469, A replaced by C.
Protein change: p.Leu3823=; no amino-acid change (leucine 3823 retained).
Molecular consequence: synonymous variant.
Genome position (GRCh38, 1-based): chr7:21,864,630, A>C. VCF-style: chr7-21864630-A-C. GRCh37 (hg19) VCF-style: chr7-21904248-A-C.
Other names: c.11490A>C, p.Leu3830= (NM_003777.3); c.11469A>C (NM_001277115.1).
Identifiers: ClinVar variation 1733154 (VCV001733154.9), dbSNP rs776544602, ClinGen allele CA4182758.

ClinVar aggregate classification (germline): Likely benign. Review status: criteria provided, multiple submitters, no conflicts (2 of 4 stars). 3 submissions from 3 submitters: Likely benign (2). 1 of the submissions does not count toward it. Last evaluated 2025-12-06.

Conditions:
Primary ciliary dyskinesia. Also called: Ciliary dyskinesia. Identifiers: Orphanet 244, MedGen C0008780, MONDO:0016575, HP:0012265.
DNAH11-related disorder. Also called: DNAH11-related condition.

Allele frequency attached by ClinVar (database versions not stated): ExAC 0.00003; gnomAD 0.00003; TOPMed 0.00004.
gnomAD v4.1: 112 of 1,607,570 alleles (0.007%); highest among the groups gnomAD compares: Middle Eastern, 0.016%; no homozygotes.

Submissions (3):

Labcorp Genetics (formerly Invitae), Labcorp
Classification: Likely benign for Primary ciliary dyskinesia. Last evaluated: 2025-12-06. Review status: criteria provided, single submitter. Criteria: Invitae Variant Classification Sherloc (09022015). Collection method: clinical testing. Allele origin: germline.

Ambry Genetics
Classification: Likely benign for Primary ciliary dyskinesia. Last evaluated: 2014-08-15. Review status: criteria provided, single submitter. Criteria: Ambry Variant Classification Scheme 2023. Collection method: clinical testing. Allele origin: germline.

PreventionGenetics, part of Exact Sciences
Classification: Likely benign for DNAH11-related condition. Last evaluated: 2020-02-20. Review status: no assertion criteria provided. Collection method: clinical testing. Allele origin: germline. Not counted in ClinVar's aggregate classification.
Comment: This variant is classified as likely benign based on ACMG/AMP sequence variant interpretation guidelines (Richards et al. 2015 PMID: 25741868, with internal and published modifications).